The following is an entry in ClinVar:

NM_014244.5(ADAMTS2):c.1332_1333delinsACAGGT (p.His444fs)

Gene: ADAMTS2 (ADAM metallopeptidase with thrombospondin type 1 motif 2; minus strand). Cytogenetic location: 5q35.3.
Variant type: Indel.
Coding change: c.1332_1333delinsACAGGT on transcript NM_014244.5 (MANE Select); coding-DNA positions 1332 to 1333, CC replaced by ACAGGT.
Protein change: p.His444fs; shifts the reading frame from histidine 444.
Molecular consequence: frameshift variant.
Genome position (GRCh38, 1-based): chr5:179,154,098-179,154,099, GG replaced by ACCTGT on the plus strand (CC replaced by ACAGGT on the coding strand, the reverse complement: ADAMTS2 is on the minus strand). VCF-style: chr5-179154098-GG-ACCTGT. GRCh37 (hg19) VCF-style: chr5-178581099-GG-ACCTGT.
Other names: c.1332_1333delinsACAGGT, p.His444fs (NM_021599.4); short protein forms H444fs.
Identifiers: ClinVar variation 5011025 (VCV005011025.1).
Genomic context (GRCh38, chr5:179,154,098, plus strand): 5'-GCAGTACTCACTGCAGGTAGCGGCTCAGCTCCTGCTGGCTGCAGCGGGACCAGTGGAAGC[GG>ACCTGT]TGGAAGGCGGCCTGCACCAGGGGCGCCATGATGCTGCCCAGCCGCACCTCGTCGCCACAG-3'

ClinVar aggregate classification (germline): Pathogenic (1 of 4 stars; one submission).

Conditions:
Ehlers-Danlos syndrome, dermatosparaxis type. Also called: EDS VIIC; Dermatosparaxis; Ehlers-Danlos syndrome, type VII, autosomal recessive. Identifiers: Orphanet 1901, MedGen C2700425, MONDO:0009161, OMIM 225410.

Submission:

Myriad Genetics, Inc.
Classification: Pathogenic for Ehlers-Danlos syndrome, dermatosparaxis type. Last evaluated: 2024-05-14. Review status: criteria provided, single submitter. Criteria: Myriad Autosomal Dominant, Autosomal Recessive and X-Linked Classification Criteria (2023). Collection method: clinical testing. Allele origin: unknown.
Comment: NM_014244.4(ADAMTS2):c.1332_1333del2ins6(H444Qfs*22) is expected to be pathogenic in the context of Ehlers-Danlos syndrome, ADAMTS2-related. This variant is predicted to lead to an abnormal or absent protein product due to the creation of a premature termination codon in ADAMTS2, a gene where loss-of-function variants are known to be pathogenic. Please note: this variant was assessed in the context of healthy population screening.